The following is an entry in ClinVar:

ClinVar aggregate classification (germline): Benign/Likely benign. Review status: criteria provided, multiple submitters, no conflicts (2 of 4 stars). 4 submissions from 4 submitters: Benign (1); Likely benign (3). Last evaluated 2026-08-04.

Conditions:
Hereditary pheochromocytoma and paraganglioma. Also called: Hereditary paragangliomas and pheochromocytomas; Hereditary pheochromocytoma-paraganglioma; Hereditary Paraganglioma-Pheochromocytoma Syndromes. Identifiers: Orphanet 29072, MedGen C4274332, MONDO:0017366.
Pheochromocytoma/paraganglioma syndrome 1. Also called: Paraganglioma - glomus jugulare; SDHD-Related Hereditary Paraganglioma-Pheochromocytoma Syndrome; PARAGANGLIOMATA; Paragangliomas 1; Glomus tumors familial 1; PARAGANGLIOMAS, FAMILIAL NONCHROMAFFIN, 1. Identifiers: Orphanet 29072, MedGen C3494181, MONDO:0008192, OMIM 168000.
Carney-Stratakis syndrome. Also called: PARAGANGLIOMA AND GASTROINTESTINAL STROMAL TUMOR. Identifiers: Orphanet 97286, MedGen C1847319, MONDO:0011740, OMIM 606864.
Paragangliomas with sensorineural hearing loss. Identifiers: MedGen C1868633.
Cowden syndrome 3 (CWS3). Identifiers: Orphanet 201, MedGen CN166604, MONDO:0014045.
Pheochromocytoma. Also called: MAX-Related Hereditary Paraganglioma-Pheochromocytoma Syndrome. Identifiers: Orphanet 29072, MedGen C0031511, MONDO:0008233, OMIM 171300, HP:0002666.
Hereditary cancer-predisposing syndrome. Also called: Tumor predisposition; Hereditary Cancer Syndrome; Neoplastic Syndromes, Hereditary; Hereditary neoplastic syndrome. Identifiers: Orphanet 140162, MedGen C0027672, MeSH D009386, MONDO:0015356.

Submissions (4):

Ambry Genetics
Classification: Likely benign for Hereditary cancer-predisposing syndrome. Last evaluated: 2026-08-04. Review status: criteria provided, single submitter. Criteria: Ambry Variant Classification Scheme 2023. Collection method: clinical testing. Allele origin: germline.

Color Diagnostics, LLC DBA Color Health
Classification: Likely benign for Hereditary pheochromocytoma and paraganglioma. Last evaluated: 2025-07-07. Review status: criteria provided, single submitter. Criteria: ACMG Guidelines, 2015. Collection method: clinical testing. Allele origin: germline.

Myriad Genetics, Inc.
Classification: Benign for Pheochromocytoma/paraganglioma syndrome 1. Last evaluated: 2025-03-17. Review status: criteria provided, single submitter. Criteria: Myriad Autosomal Dominant, Autosomal Recessive and X-Linked Classification Criteria (2023). Collection method: clinical testing. Allele origin: unknown.
Comment: This variant is considered benign. This variant is a silent/synonymous amino acid change and it is not expected to impact splicing.

Labcorp Genetics (formerly Invitae), Labcorp
Classification: Likely benign for Carney-Stratakis syndrome; Paragangliomas with sensorineural hearing loss; Pheochromocytoma; Cowden syndrome 3. Last evaluated: 2018-01-11. Review status: criteria provided, single submitter. Criteria: Invitae Variant Classification Sherloc (09022015). Collection method: clinical testing. Allele origin: germline.

NM_003002.4(SDHD):c.165C>T (p.His55=)

Gene: SDHD (succinate dehydrogenase complex subunit D; plus strand). Cytogenetic location: 11q23.1.
Variant type: single nucleotide variant.
Coding change: c.165C>T on transcript NM_003002.4 (MANE Select); coding-DNA position 165, C replaced by T.
Protein change: p.His55=; no amino-acid change (histidine 55 retained).
Molecular consequence: synonymous variant. On other transcripts: non-coding transcript variant (1), intron variant (1).
Genome position (GRCh38, 1-based): chr11:112,087,969, C>T. VCF-style: chr11-112087969-C-T. GRCh37 (hg19) VCF-style: chr11-111958693-C-T.
Other names: c.165C>T (NM_003002.2); c.165C>T, p.His55= (NM_001276503.2, NM_001276506.2); c.53-898C>T (NM_001276504.2).
Identifiers: ClinVar variation 742843 (VCV000742843.13), dbSNP rs1592779061, ClinGen allele CA476789583.